The following is an entry in ClinVar:

ClinVar aggregate classification (germline): Uncertain significance (1 of 4 stars; one submission).

Submission:

GeneDx
Classification: Uncertain significance. Last evaluated: 2026-02-20. Review status: criteria provided, single submitter. Criteria: GeneDx Variant Classification Process June 2021. Collection method: clinical testing. Allele origin: germline.
Comment: Not observed at significant frequency in large population cohorts (gnomAD); Has not been previously published as pathogenic or benign to our knowledge; Nonsense variant predicted to result in protein truncation as the last 63 amino acid(s) are lost with an unclear effect on protein function

NM_030752.3(TCP1):c.1478dup (p.Gly493_Lys494insTer)

Gene: TCP1 (t-complex 1; minus strand). Cytogenetic location: 6q25.3.
Variant type: Duplication.
Coding change: c.1478dup on transcript NM_030752.3 (MANE Select); coding-DNA position 1478, one base duplicated (G; older notation c.1478dupG).
Protein change: p.Gly493_Lys494insTer.
Molecular consequence: frameshift variant.
Genome position (GRCh38, 1-based): chr6:159,779,238, C duplicated on the plus strand (G on the coding strand, the reverse complement: TCP1 is on the minus strand); the first of 2 consecutive C bases (chr6:159,779,238-159,779,239); duplicating either gives the same sequence. VCF-style (leftmost placement, unchanged base first): chr6-159779237-A-AC. GRCh37 (hg19) VCF-style: chr6-160200269-A-AC.
Other names: c.1013dup, p.Gly338_Lys339insTer (NM_001008897.2).
Identifiers: ClinVar variation 5009934 (VCV005009934.1).